The following is an entry in ClinVar:

ClinVar aggregate classification (germline): Uncertain significance (1 of 4 stars; one submission).

Submission:

Labcorp Genetics (formerly Invitae), Labcorp
Classification: Uncertain significance. Last evaluated: 2022-09-13. Review status: criteria provided, single submitter. Criteria: Invitae Variant Classification Sherloc (09022015). Collection method: clinical testing. Allele origin: germline.
Comment: This variant has not been reported in the literature in individuals affected with TNNI3K-related conditions. This variant is not present in population databases (gnomAD no frequency). This sequence change creates a premature translational stop signal (p.Asp395Metfs*7) in the TNNI3K gene. It is expected to result in an absent or disrupted protein product. However, the current clinical and genetic evidence is not sufficient to establish whether loss-of-function variants in TNNI3K cause disease. In summary, the available evidence is currently insufficient to determine the role of this variant in disease. Therefore, it has been classified as a Variant of Uncertain Significance.

NM_015978.3(TNNI3K):c.1183del (p.Asp395fs)

Genes: FPGT-TNNI3K (FPGT-TNNI3K readthrough; plus strand), TNNI3K (TNNI3 interacting kinase; plus strand). Cytogenetic location: 1p31.1.
Variant type: Deletion.
Coding change: c.1183del on transcript NM_015978.3 (MANE Select); coding-DNA position 1183, one base deleted (G; older notation c.1183delG).
Protein change: p.Asp395fs; shifts the reading frame from aspartic acid 395.
Molecular consequence: frameshift variant.
Genome position (GRCh38, 1-based): chr1:74,367,261, G deleted. VCF-style (leftmost placement, unchanged base first): chr1-74367260-TG-T. GRCh37 (hg19) VCF-style: chr1-74832944-TG-T.
Other names: c.1486del, p.Asp496fs (NM_001112808.3, NM_001199327.2); short protein forms D496fs, D395fs.
Identifiers: ClinVar variation 1997832 (VCV001997832.4), dbSNP rs2524461737, ClinGen allele CA2580063214.